The following is an entry in ClinVar:

NM_000092.5(COL4A4):c.4109C>T (p.Ala1370Val)

Gene: COL4A4 (collagen type IV alpha 4 chain; minus strand). Cytogenetic location: 2q36.3.
Variant type: single nucleotide variant.
Coding change: c.4109C>T on transcript NM_000092.5 (MANE Select); coding-DNA position 4109, C replaced by T.
Protein change: p.Ala1370Val; replaces alanine 1370 with valine.
Molecular consequence: missense variant.
Genome position (GRCh38, 1-based): chr2:227,022,155, G>A on the plus strand (C>T on the coding strand, the complement: COL4A4 is on the minus strand). VCF-style: chr2-227022155-G-A. GRCh37 (hg19) VCF-style: chr2-227886871-G-A.
Other names: short protein forms A1370V.
Identifiers: ClinVar variation 3775956 (VCV003775956.1).

ClinVar aggregate classification (germline): Uncertain significance (1 of 4 stars; one submission).

Conditions:
Autosomal recessive Alport syndrome (ATS2). Also called: Alport syndrome type 2; COL4A3-Related Nephropathy; COL4A4 Alport Syndrome and Thin Basement Membrane Nephropathy; ALPORT SYNDROME 2, AUTOSOMAL RECESSIVE. Identifiers: Orphanet 63, Orphanet 88919, MedGen C4746745, MONDO:0008762, OMIM 203780.

gnomAD v4.1: 1 of 1,614,136 alleles (0.000062%); highest among the groups gnomAD compares: South Asian, 0.0011%; no homozygotes.

Submission:

3billion
Classification: Uncertain significance for Autosomal recessive Alport syndrome. Last evaluated: 2023-12-29. Review status: criteria provided, single submitter. Criteria: ACMG Guidelines, 2015. Collection method: clinical testing. Allele origin: germline. Affected: yes.
Comment: The variant is observed at an extremely low frequency in the gnomAD v2.1.1 dataset (total allele frequency: <0.001%). Predicted Consequence/Location: Missense variant In silico tool predictions suggest damaging effect of the variant on gene or gene product [REVEL: 0.31 (>=0.6, sensitivity 0.68 and specificity 0.92); 3Cnet: 0.85 (>=0.6, sensitivity 0.72 and precision 0.9)]. Therefore, this variant is classified as VUS according to the recommendation of ACMG/AMP guideline.